The following is an entry in ClinVar:

NM_000216.4(ANOS1):c.318+11G>A

Gene: ANOS1 (anosmin 1; minus strand). Cytogenetic location: Xp22.31.
Variant type: single nucleotide variant.
Coding change: c.318+11G>A on transcript NM_000216.4 (MANE Select); 11 bases into the intron after coding-DNA position 318, G replaced by A.
Molecular consequence: intron variant.
Genome position (GRCh38, 1-based): chrX:8,623,597, C>T on the plus strand (G>A on the coding strand, the complement: ANOS1 is on the minus strand). VCF-style: chrX-8623597-C-T. GRCh37 (hg19) VCF-style: chrX-8591638-C-T.
Identifiers: ClinVar variation 1708370 (VCV001708370.3), dbSNP rs752221629, ClinGen allele CA10343827.

ClinVar aggregate classification (germline): Uncertain significance (1 of 4 stars; one submission).

Allele frequency attached by ClinVar (database versions not stated): TOPMed 0.00004; gnomAD 0.00005.
gnomAD v4.1: 44 of 1,187,636 alleles (0.0037%); highest among the groups gnomAD compares: African/African-American, 0.0088%; no homozygotes.

Submission:

Centre of Medical Genetics, University Hospital Muenster
Classification: Uncertain significance. Last evaluated: 2021-11-15. Review status: criteria provided, single submitter. Criteria: ACMG Guidelines, 2015. Collection method: clinical testing. Allele origin: unknown. Affected: yes. Observed: 1 variant allele.
Comment: ACMG categories: PM2,BS2